The following is an entry in ClinVar:

NM_000275.3(OCA2):c.2228C>T (p.Pro743Leu)

Gene: OCA2 (OCA2 melanosomal transmembrane protein; minus strand). Cytogenetic location: 15q13.1.
Variant type: single nucleotide variant.
Coding change: c.2228C>T on transcript NM_000275.3 (MANE Select); coding-DNA position 2228, C replaced by T.
Protein change: p.Pro743Leu; replaces proline 743 with leucine.
Molecular consequence: missense variant.
Genome position (GRCh38, 1-based): chr15:27,871,170, G>A on the plus strand (C>T on the coding strand, the complement: OCA2 is on the minus strand). VCF-style: chr15-27871170-G-A. GRCh37 (hg19) VCF-style: chr15-28116316-G-A.
Other names: c.2156C>T, p.Pro719Leu (NM_001300984.2); short protein forms P743L, P719L.
Identifiers: ClinVar variation 956 (VCV000000956.43), dbSNP rs121918167, ClinGen allele CA251635.

ClinVar aggregate classification (germline): Pathogenic/Likely pathogenic. Review status: criteria provided, multiple submitters, no conflicts (2 of 4 stars). 20 submissions from 20 submitters: Pathogenic (17); Likely pathogenic (1). 2 of the submissions do not count toward it. Last evaluated 2026-03-16.

Conditions:
OCA2-related disorder. Also called: OCA2-related condition.
Albinism or congenital nystagmus.
Nonsyndromic Oculocutaneous Albinism.
Oculocutaneous albinism. Identifiers: Orphanet 55, MedGen C0078918, MONDO:0018910.
SKIN/HAIR/EYE PIGMENTATION 1, BLUE/NONBLUE EYES (SHEP1). Also called: BROWN EYE COLOR 2; EYE COLOR 3; EYE COLOR, BLUE/NONBLUE; EYE COLOR, BROWN/BLUE; HAIR COLOR 3; SKIN/HAIR/EYE PIGMENTATION 1, BLOND/BROWN HAIR. Identifiers: MedGen C1856895, OMIM 227220.
Tyrosinase-positive oculocutaneous albinism (OCA2). Also called: ALBINISM II; Oculocutaneous albinism type 2; Albinism, oculocutaneous, type II. Identifiers: Orphanet 79432, MedGen C0268495, MONDO:0008746, OMIM 203200.

Allele frequency attached by ClinVar (database versions not stated): ExAC 0.00009; TOPMed 0.00021; gnomAD 0.00023 and 0.00021; gnomAD exomes 0.00011.
gnomAD v4.1: 287 of 1,613,590 alleles (0.018%); highest among the groups gnomAD compares: African/African-American, 0.063%; no homozygotes.

Submissions 1 to 12 of 20:

North West Genomic Laboratory Hub, Manchester University NHS Foundation Trust
Classification: Pathogenic for Albinism or congenital nystagmus. Last evaluated: 2026-03-16. Review status: criteria provided, single submitter. Criteria: ACGS Best Practice Guidelines for Variant Classification in Rare Disease 2024. Collection method: clinical testing. Allele origin: germline. Affected: yes.
Comment: PM2_Mod PP3_Supp PM3_VStr

Labcorp Genetics (formerly Invitae), Labcorp
Classification: Pathogenic. Last evaluated: 2026-01-11. Review status: criteria provided, single submitter. Criteria: Invitae Variant Classification Sherloc (09022015). Collection method: clinical testing. Allele origin: germline.
Comment: This sequence change replaces proline, which is neutral and non-polar, with leucine, which is neutral and non-polar, at codon 743 of the OCA2 protein (p.Pro743Leu). This variant is present in population databases (rs121918167, gnomAD 0.04%). This missense change has been observed in individual(s) with oculocutaneous albinism (PMID: 8302318, 28266639, 31077556). In at least one individual the data is consistent with being in trans (on the opposite chromosome) from a pathogenic variant. ClinVar contains an entry for this variant (Variation ID: 956). Invitae Evidence Modeling of protein sequence and biophysical properties (such as structural, functional, and spatial information, amino acid conservation, physicochemical variation, residue mobility, and thermodynamic stability) indicates that this missense variant is expected to disrupt OCA2 protein function with a positive predictive value of 80%. For these reasons, this variant has been classified as Pathogenic.

3billion
Classification: Pathogenic for Tyrosinase-positive oculocutaneous albinism. Last evaluated: 2025-12-12. Review status: criteria provided, single submitter. Criteria: ACMG Guidelines, 2015. Collection method: clinical testing. Allele origin: germline. Affected: yes.
Comment: The variant is observed at an extremely low frequency in the gnomAD v4.1.0 dataset (total allele frequency: 0.018%). Predicted Consequence/Location: Missense variant In silico tool predictions suggest damaging effect of the variant on gene or gene product [REVEL: 0.98 (>=0.6, sensitivity 0.68 and specificity 0.92); 3Cnet: 0.98 (> 0.75, sensitivity 0.96 and precision 0.92)]. The same nucleotide change resulting in the same amino acid change has been previously reported as pathogenic/likely pathogenic with strong evidence (ClinVar ID: VCV000000956 /PMID: 8302318 /3billion dataset). The variant has been reported to be in trans with a pathogenic variant as either compound heterozygous or homozygous in at least one similarly affected unrelated individual (PMID: 24845642, 31077556). A different missense change at the same codon (p.Pro743Arg) has been reported to be associated with OCA2-related disorder (PMID: 18821858). Therefore, this variant is classified as Pathogenic according to the recommendation of ACMG/AMP guideline.

Otogenetics
Classification: Pathogenic for Tyrosinase-positive oculocutaneous albinism. Last evaluated: 2025-10-06. Review status: criteria provided, single submitter. Criteria: ACMG Guidelines, 2015. Collection method: clinical testing. Allele origin: germline.
Comment: PM2: Maximum gnomAD MAF of 0.0361% in African (AFR) subpopulation (<0.281% threshold); PM3_VeryStrong: Variant reported in trans with five other pathogenic variants in six affected patients, phase confirmed by parental testing, as well as in 2 unrelated affected patients homozygous for the variant (PMID: 8302318, 12876664, 18463683, 22734612, 28451379, 31077556); PP1: Cosegregation with disease in multiple affected family members (PMID: 8302318, 22734612); PP3: In-silico models predict deleterious effect (Revel = 0.98, BayesDel = 0.54)

PreventionGenetics, part of Exact Sciences
Classification: Pathogenic for OCA2-related condition. Last evaluated: 2025-07-18. Review status: criteria provided, single submitter. Criteria: ACMG Guidelines, 2015. Collection method: clinical testing. Allele origin: germline.
Comment: The OCA2 c.2228C>T variant is predicted to result in the amino acid substitution p.Pro743Leu. This variant has been reported many times in individuals with oculocutaneous albinism (see for examples: Lee et al. 1994. PubMed ID: 7874125; Sengupta et al. 2010. PubMed ID: 20426782; Zhong et al. 2019. PubMed ID: 31077556; Table S1, Wei et al. 2022. PubMed ID: 34838614). This variant is present in 0.036% of alleles in individuals of African descent in gnomAD. This variant is interpreted as pathogenic.

Women's Health and Genetics/Laboratory Corporation of America, LabCorp
Classification: Pathogenic for Oculocutaneous albinism. Last evaluated: 2025-04-04. Review status: criteria provided, single submitter. Criteria: LabCorp Variant Classification Summary - May 2015. Collection method: clinical testing. Allele origin: germline.
Comment: Variant summary: OCA2 c.2228C>T (p.Pro743Leu) results in a non-conservative amino acid change in the encoded protein sequence. Five of five in-silico tools predict a damaging effect of the variant on protein function. The variant allele was found at a frequency of 0.00011 in 251356 control chromosomes (gnomAD). This frequency is not significantly higher than estimated for a pathogenic variant in OCA2 causing Oculocutaneous Albinism (0.00011 vs 0.0043), allowing no conclusion about variant significance. c.2228C>T has been reported in the literature in multiple individuals (both homozygous and compound heterozygous) affected with oculocutaneous albinism (Lasseaux_2018, Ma_2021). These data indicate that the variant is very likely to be associated with disease. The following publications have been ascertained in the context of this evaluation (PMID: 9345414, 34707637). ClinVar contains an entry for this variant (Variation ID: 956). Based on the evidence outlined above, the variant was classified as pathogenic.

Blueprint Genetics
Classification: Pathogenic for OCA2-related disorders. Last evaluated: 2024-10-22. Review status: criteria provided, single submitter. Criteria: ACMG Guidelines, 2015. Collection method: clinical testing. Allele origin: germline. Affected: yes. Observed: 5 variant alleles.

Baylor Genetics
Classification: Pathogenic for SKIN/HAIR/EYE PIGMENTATION 1, BLUE/NONBLUE EYES. Last evaluated: 2024-03-27. Review status: criteria provided, single submitter. Criteria: ACMG Guidelines, 2015. Collection method: clinical testing. Allele origin: unknown.

Fulgent Genetics
Classification: Pathogenic for Tyrosinase-positive oculocutaneous albinism; SKIN/HAIR/EYE PIGMENTATION 1, BLUE/NONBLUE EYES. Last evaluated: 2024-01-11. Review status: criteria provided, single submitter. Criteria: ACMG Guidelines, 2015. Collection method: clinical testing. Allele origin: germline.

GeneDx
Classification: Pathogenic. Last evaluated: 2022-07-11. Review status: criteria provided, single submitter. Criteria: GeneDx Variant Classification Process June 2021. Collection method: clinical testing. Allele origin: germline. Affected: yes.
Comment: In an animal model, pigs homozygous for an orthologous variant in OCA2 exhibited pigmentation-related defects similar to the oculocutaneous albinism phenotype in humans (Zhang et al., 2019); In silico analysis, which includes protein predictors and evolutionary conservation, supports a deleterious effect; This variant is associated with the following publications: (PMID: 8302318, 18463683, 22734612, 10649493, 20426782, 28451379, 12876664, 28266639, 31636960, 31980526, 31589614, 31077556)

Genome-Nilou Lab
Classification: Pathogenic for Tyrosinase-positive oculocutaneous albinism. Last evaluated: 2021-11-07. Review status: criteria provided, single submitter. Criteria: ACMG Guidelines, 2015. Collection method: clinical testing. Allele origin: germline. Affected: no.

Victorian Clinical Genetics Services, Murdoch Childrens Research Institute
Classification: Pathogenic for Tyrosinase-positive oculocutaneous albinism. Last evaluated: 2021-05-06. Review status: criteria provided, single submitter. Criteria: ACMG Guidelines, 2015. Collection method: clinical testing. Allele origin: germline. Inheritance: Autosomal recessive inheritance.
Comment: Based on the classification scheme VCGS_Germline_v1.3.4, this variant is classified as Pathogenic. Following criteria are met: 0102 - Loss of function is a known mechanism of disease in this gene and is associated with brown oculocutaneous albinism and oculocutaneous, type II albinism (MIM#203200). (I) 0106 - This gene is associated with autosomal recessive disease. (I) 0115 - Variants in this gene causing oculocutaneous albininism are known to have variable expressivity (PMID: 24518832) (I) 0200 - Variant is predicted to result in a missense amino acid change from proline to leucine. (I) 0304 - Variant is present in gnomAD <0.01 for a recessive condition (v2) (38 heterozygotes, 0 homozygotes). (SP) 0309 - An alternative amino acid change at the same position has been observed in gnomAD (v2) (1 heterozygote, 0 homozygotes). (I) 0501 - Missense variant consistently predicted to be damaging by multiple in silico tools or highly conserved with a major amino acid change. (SP) 0600 - Variant is located in the annotated citrate transporter domain (Pfam). (I) 0801 - This variant has strong previous evidence of pathogenicity in unrelated individuals. This variant has previously been reported in >15 oculocutaneous albinism (OCA) type 2 patients, in both the homozygous and compound heterozygous state (ClinVar; PMIDs: 20426782; 31077556; 24845642; 8302318; 7874125; 12876664; 18463683; 22734612; 24118800; 27734839; 31229681). (SP) Legend: (SP) - Supporting pathogenic, (I) - Information, (SB) - Supporting benign